The following is an entry in ClinVar:

ClinVar aggregate classification (germline): Uncertain significance (1 of 4 stars; one submission).

gnomAD v4.1: 3 of 1,613,784 alleles (0.00019%); highest among the groups gnomAD compares: Non-Finnish European, 0.00025%; no homozygotes.

Submission:

Ambry Genetics
Classification: Uncertain significance. Last evaluated: 2024-05-18. Review status: criteria provided, single submitter. Criteria: Ambry Variant Classification Scheme 2023. Collection method: clinical testing. Allele origin: germline.
Comment: The p.R2505G variant (also known as c.7513C>G), located in coding exon 28 of the POLQ gene, results from a C to G substitution at nucleotide position 7513. The arginine at codon 2505 is replaced by glycine, an amino acid with dissimilar properties. This amino acid position is conserved. In addition, the in silico prediction for this alteration is inconclusive. Since supporting evidence is limited at this time, the clinical significance of this alteration remains unclear.

NM_199420.4(POLQ):c.7513C>G (p.Arg2505Gly)

Gene: POLQ (DNA polymerase theta; minus strand). Cytogenetic location: 3q13.33.
Variant type: single nucleotide variant.
Coding change: c.7513C>G on transcript NM_199420.4 (MANE Select); coding-DNA position 7513, C replaced by G.
Protein change: p.Arg2505Gly; replaces arginine 2505 with glycine.
Molecular consequence: missense variant.
Genome position (GRCh38, 1-based): chr3:121,436,152, G>C on the plus strand (C>G on the coding strand, the complement: POLQ is on the minus strand). VCF-style: chr3-121436152-G-C. GRCh37 (hg19) VCF-style: chr3-121154999-G-C.
Other names: short protein forms R2505G.
Identifiers: ClinVar variation 1759287 (VCV001759287.3), dbSNP rs147692745, ClinGen allele CA81838654.
Genomic context (GRCh38, chr3:121,436,152, plus strand): 5'-TTACAGCACAGGCCTCATCTATGAACAAACCTGTTTGGTCACTTTGGAGCATACCCTCTC[G>C]ATGACCATGGGATTTGAAGGTTGAGTGGAAGGTCTCTAATTGCTTCTGAATGTTAACTGT-3'
Protein context (NP_955452.3, residues 2495-2515): FHSTFKSHGH[Arg2505Gly]EGMLQSDQTG